The following is an entry in ClinVar:

ClinVar aggregate classification (germline): Uncertain significance. Review status: criteria provided, single submitter (1 of 4 stars). 2 submissions from 2 submitters: Uncertain significance (1). 1 of the submissions does not count toward it. Last evaluated 2021-09-01.

Conditions:
Glycogen storage disease type III (GSD3). Also called: FORBES DISEASE; Cori disease. Identifiers: Orphanet 366, MedGen C0017922, MONDO:0009291, OMIM 232400.

Allele frequency attached by ClinVar (database versions not stated): TOPMed below 0.00001; gnomAD exomes 0.00002.
gnomAD v4.1: 25 of 1,612,184 alleles (0.0016%); highest among the groups gnomAD compares: Non-Finnish European, 0.002%; no homozygotes.

Submissions (2):

Labcorp Genetics (formerly Invitae), Labcorp
Classification: Uncertain significance for Glycogen storage disease type III. Last evaluated: 2021-09-01. Review status: criteria provided, single submitter. Criteria: Invitae Variant Classification Sherloc (09022015). Collection method: clinical testing. Allele origin: germline.
Comment: This sequence change replaces threonine with isoleucine at codon 221 of the AGL protein (p.Thr221Ile). The threonine residue is moderately conserved and there is a moderate physicochemical difference between threonine and isoleucine. This variant is not present in population databases (ExAC no frequency). This variant has not been reported in the literature in individuals affected with AGL-related conditions. Algorithms developed to predict the effect of missense changes on protein structure and function are either unavailable or do not agree on the potential impact of this missense change (SIFT: "Deleterious"; PolyPhen-2: "Probably Damaging"; Align-GVGD: "Class C0"). In summary, the available evidence is currently insufficient to determine the role of this variant in disease. Therefore, it has been classified as a Variant of Uncertain Significance.

Natera, Inc.
Classification: Uncertain significance for Glycogen storage disease type III. Last evaluated: 2025-04-10. Review status: no assertion criteria provided. Collection method: clinical testing. Allele origin: germline. Not counted in ClinVar's aggregate classification.

NM_000642.3(AGL):c.662C>T (p.Thr221Ile)

Gene: AGL (amylo-alpha-1,6-glucosidase and 4-alpha-glucanotransferase; plus strand). Cytogenetic location: 1p21.2.
Variant type: single nucleotide variant.
Coding change: c.662C>T on transcript NM_000642.3 (MANE Select); coding-DNA position 662, C replaced by T.
Protein change: p.Thr221Ile; replaces threonine 221 with isoleucine.
Molecular consequence: missense variant.
Genome position (GRCh38, 1-based): chr1:99,864,587, C>T. VCF-style: chr1-99864587-C-T. GRCh37 (hg19) VCF-style: chr1-100330143-C-T.
Other names: c.662C>T, p.Thr221Ile (NM_000028.3, NM_000643.3, NM_000644.3 and 3 more transcripts); c.614C>T, p.Thr205Ile (NM_000646.3); c.284C>T, p.Thr95Ile (NM_001425332.1); c.662C>T (NM_000642.2); short protein forms T221I, T205I, T95I.
Identifiers: ClinVar variation 1037585 (VCV001037585.7), dbSNP rs1415593167, ClinGen allele CA341337248.